The following is an entry in ClinVar:

ClinVar aggregate classification (germline): Uncertain significance (1 of 4 stars; one submission).

Allele frequency attached by ClinVar (database versions not stated): gnomAD exomes below 0.00001.
gnomAD v4.1: 1 of 1,607,836 alleles (0.000062%); highest among the groups gnomAD compares: Non-Finnish European, 0.000085%; no homozygotes.

Submission:

Labcorp Genetics (formerly Invitae), Labcorp
Classification: Uncertain significance. Last evaluated: 2022-03-07. Review status: criteria provided, single submitter. Criteria: Invitae Variant Classification Sherloc (09022015). Collection method: clinical testing. Allele origin: germline.
Comment: In summary, the available evidence is currently insufficient to determine the role of this variant in disease. Therefore, it has been classified as a Variant of Uncertain Significance. Algorithms developed to predict the effect of missense changes on protein structure and function output the following: SIFT: "Tolerated"; PolyPhen-2: "Benign"; Align-GVGD: "Class C0". The serine amino acid residue is found in multiple mammalian species, which suggests that this missense change does not adversely affect protein function. This variant has not been reported in the literature in individuals affected with GEN1-related conditions. This variant is not present in population databases (gnomAD no frequency). This sequence change replaces proline, which is neutral and non-polar, with serine, which is neutral and polar, at codon 270 of the GEN1 protein (p.Pro270Ser).

NM_001130009.3(GEN1):c.808C>T (p.Pro270Ser)

Gene: GEN1 (GEN1 structure-specific endonuclease; plus strand). Cytogenetic location: 2p24.2.
Variant type: single nucleotide variant.
Coding change: c.808C>T on transcript NM_001130009.3 (MANE Select); coding-DNA position 808, C replaced by T.
Protein change: p.Pro270Ser; replaces proline 270 with serine.
Molecular consequence: missense variant.
Genome position (GRCh38, 1-based): chr2:17,772,639, C>T. VCF-style: chr2-17772639-C-T. GRCh37 (hg19) VCF-style: chr2-17953906-C-T.
Other names: c.808C>T, p.Pro270Ser (NM_182625.5); short protein forms P270S.
Identifiers: ClinVar variation 1491954 (VCV001491954.8), dbSNP rs2125146917, ClinGen allele CA345916480.
Genomic context (GRCh38, chr2:17,772,639, plus strand): 5'-AGAAAGTAATTATAAAAGGCAAAAAATATTATACTTTTTTTGGGTCTCCATAAAGGTTCA[C>T]CTAAGGATCATGAACGTAATGGATGCAGATTATGTAAAAGTGATAAATATTGTGAGCCAC-3'
Protein context (NP_001123481.3, residues 260-280): HCSVCSHPGS[Pro270Ser]KDHERNGCRL